The following is an entry in ClinVar:

NM_005996.4(TBX3):c.997TCT[1] (p.Ser334del)

Gene: TBX3 (T-box transcription factor 3; minus strand). Cytogenetic location: 12q24.21.
Variant type: Microsatellite.
Coding change: c.997TCT[1] on transcript NM_005996.4 (MANE Select); one copy of the 3-base unit TCT starting at c.997; the reference has two copies in a row; one copy, 3 bases deleted.
Protein change: p.Ser334del; deletes serine 334.
Molecular consequence: inframe deletion.
Genome position (GRCh38, 1-based): chr12:114,676,350-114,676,352, AGA deleted on the plus strand (TCT on the coding strand, the reverse complement: TBX3 is on the minus strand); deleting any 3 consecutive bases within chr12:114,676,350-114,676,357 gives the same sequence; the position shown is the placement nearest the transcript's 3' end. VCF-style (leftmost placement, unchanged base first): chr12-114676349-GAGA-G. GRCh37 (hg19) VCF-style: chr12-115114154-GAGA-G.
Other names: c.1057TCT[1], p.Ser354del (NM_016569.4); short protein forms S334del, S354del.
Identifiers: ClinVar variation 3358817 (VCV003358817.1).
Genomic context (GRCh38, chr12:114,676,349, plus strand): 5'-GATCACAAAGGTGACATGGTTTACCTTTGAGGTTCGATGTCCCTACAGTGGAGGCGGCTG[GAGA>G]AGAAGCCTGGGCGAAGCAGTTGAAAGCTGCTTGTTCACTGGAGGACTCATCAGAGGTCCC-3'

ClinVar aggregate classification (germline): Uncertain significance (0 of 4 stars; one submission).

Conditions:
TBX3-related disorder. Also called: TBX3-related condition.

Submission:

PreventionGenetics, part of Exact Sciences
Classification: Uncertain significance for TBX3-related condition. Last evaluated: 2024-04-26. Review status: no assertion criteria provided. Collection method: clinical testing. Allele origin: germline.
Comment: The TBX3 c.1060_1062delTCT variant is predicted to result in an in-frame deletion (p.Ser354del). To our knowledge, this variant has not been reported in the literature. This variant is reported in 0.0044% of alleles in individuals of European (Non-Finnish) descent in gnomAD. At this time, the clinical significance of this variant is uncertain due to the absence of conclusive functional and genetic evidence.